The following is an entry in ClinVar:

NM_001256864.2(DNAJC6):c.809G>A (p.Gly270Asp)

Gene: DNAJC6 (DnaJ heat shock protein family (Hsp40) member C6; plus strand). Cytogenetic location: 1p31.3.
Variant type: single nucleotide variant.
Coding change: c.809G>A on transcript NM_001256864.2 (MANE Select); coding-DNA position 809, G replaced by A.
Protein change: p.Gly270Asp; replaces glycine 270 with aspartic acid.
Molecular consequence: missense variant.
Genome position (GRCh38, 1-based): chr1:65,385,720, G>A. VCF-style: chr1-65385720-G-A. GRCh37 (hg19) VCF-style: chr1-65851403-G-A.
Other names: c.599G>A, p.Gly200Asp (NM_001256865.2); c.638G>A, p.Gly213Asp (NM_014787.4); short protein forms G200D, G270D, G213D.
Identifiers: ClinVar variation 1444053 (VCV001444053.6), dbSNP rs1645865223, ClinGen allele CA340682514.

ClinVar aggregate classification (germline): Uncertain significance (1 of 4 stars; one submission).

Conditions:
Juvenile onset Parkinson disease 19A. Also called: DNAJC6 Parkinson Disease; PARK19. Identifiers: Orphanet 391411, MedGen C3809811, MONDO:0014231, OMIM 615528.

gnomAD v4.1: 1 of 1,605,608 alleles (0.000062%); highest among the groups gnomAD compares: Non-Finnish European, 0.000085%; no homozygotes.

Submission:

Labcorp Genetics (formerly Invitae), Labcorp
Classification: Uncertain significance for Juvenile onset Parkinson disease 19A. Last evaluated: 2021-12-02. Review status: criteria provided, single submitter. Criteria: Invitae Variant Classification Sherloc (09022015). Collection method: clinical testing. Allele origin: germline.
Comment: This variant has not been reported in the literature in individuals affected with DNAJC6-related conditions. This sequence change replaces glycine, which is neutral and non-polar, with aspartic acid, which is acidic and polar, at codon 270 of the DNAJC6 protein (p.Gly270Asp). This variant is not present in population databases (gnomAD no frequency). Algorithms developed to predict the effect of missense changes on protein structure and function are either unavailable or do not agree on the potential impact of this missense change (SIFT: "Tolerated"; PolyPhen-2: "Probably Damaging"; Align-GVGD: "Class C0"). In summary, the available evidence is currently insufficient to determine the role of this variant in disease. Therefore, it has been classified as a Variant of Uncertain Significance.